The following is an entry in ClinVar:

ClinVar aggregate classification (germline): Pathogenic (1 of 4 stars; one submission).

Submission:

Labcorp Genetics (formerly Invitae), Labcorp
Classification: Pathogenic. Last evaluated: 2024-01-12. Review status: criteria provided, single submitter. Criteria: Invitae Variant Classification Sherloc (09022015). Collection method: clinical testing. Allele origin: germline.
Comment: This sequence change creates a premature translational stop signal (p.Cys304Profs*12) in the REL gene. It is expected to result in an absent or disrupted protein product. Loss-of-function variants in REL are known to be pathogenic (PMID: 31103457, 34623332). This variant is not present in population databases (gnomAD no frequency). This variant has not been reported in the literature in individuals affected with REL-related conditions. For these reasons, this variant has been classified as Pathogenic.

Literature cited by the submitters: PubMed 31103457; PubMed 34623332.

NM_001291746.2(REL):c.910_911del (p.Cys304fs)

Gene: REL (REL proto-oncogene, NF-kB subunit; plus strand). Cytogenetic location: 2p16.1.
Variant type: Microsatellite.
Coding change: c.910_911del on transcript NM_001291746.2 (MANE Select); coding-DNA positions 910 to 911, 2 bases deleted (TG; older notation c.910_911delTG).
Protein change: p.Cys304fs; shifts the reading frame from cysteine 304.
Molecular consequence: frameshift variant.
Genome position (GRCh38, 1-based): chr2:60,920,097-60,920,098, TG deleted; deleting any 2 consecutive bases within chr2:60,920,095-60,920,098 gives the same sequence; the c. name uses the placement nearest the transcript's 3' end. VCF-style (leftmost placement, unchanged base first): chr2-60920094-CTG-C. GRCh37 (hg19) VCF-style: chr2-61147229-CTG-C.
Other names: c.910_911del, p.Cys304fs (NM_002908.4); short protein forms C304fs.
Identifiers: ClinVar variation 2709063 (VCV002709063.3), dbSNP rs2466286557, ClinGen allele CA2697548201.